The following is an entry in ClinVar:

ClinVar aggregate classification (germline): Uncertain significance (1 of 4 stars; one submission).

gnomAD v4.1: 1 of 1,614,196 alleles (0.000062%); highest among the groups gnomAD compares: Admixed American, 0.0017%; no homozygotes.

Submission:

Labcorp Genetics (formerly Invitae), Labcorp
Classification: Uncertain significance. Last evaluated: 2022-02-23. Review status: criteria provided, single submitter. Criteria: Invitae Variant Classification Sherloc (09022015). Collection method: clinical testing. Allele origin: germline.
Comment: In summary, the available evidence is currently insufficient to determine the role of this variant in disease. Therefore, it has been classified as a Variant of Uncertain Significance. Algorithms developed to predict the effect of missense changes on protein structure and function (SIFT, PolyPhen-2, Align-GVGD) all suggest that this variant is likely to be disruptive. This variant has not been reported in the literature in individuals affected with TRPM1-related conditions. This variant is not present in population databases (gnomAD no frequency). This sequence change replaces arginine, which is basic and polar, with leucine, which is neutral and non-polar, at codon 634 of the TRPM1 protein (p.Arg634Leu).

NM_001252024.2(TRPM1):c.1967G>T (p.Arg656Leu)

Gene: TRPM1 (transient receptor potential cation channel subfamily M member 1; minus strand). Cytogenetic location: 15q13.3.
Variant type: single nucleotide variant.
Coding change: c.1967G>T on transcript NM_001252024.2 (MANE Select); coding-DNA position 1967, G replaced by T.
Protein change: p.Arg656Leu; replaces arginine 656 with leucine.
Molecular consequence: missense variant.
Genome position (GRCh38, 1-based): chr15:31,042,071, C>A on the plus strand (G>T on the coding strand, the complement: TRPM1 is on the minus strand). VCF-style: chr15-31042071-C-A. GRCh37 (hg19) VCF-style: chr15-31334274-C-A.
Other names: c.2018G>T, p.Arg673Leu (NM_001252020.2); c.1901G>T, p.Arg634Leu (NM_002420.6); short protein forms R656L, R673L, R634L.
Identifiers: ClinVar variation 1933534 (VCV001933534.4), dbSNP rs760068967, ClinGen allele CA391511697.